The following is an entry in ClinVar:

ClinVar aggregate classification (germline): Uncertain significance (1 of 4 stars; one submission).

Conditions:
Kleefstra syndrome 2 (KLEFS2). Identifiers: MedGen C4540395, MONDO:0054701, OMIM 617768.

Submission:

Dasa
Classification: Uncertain significance for Kleefstra syndrome 2. Last evaluated: 2026-01-22. Review status: criteria provided, single submitter. Criteria: DASA Assertion Criteria. Collection method: clinical testing. Allele origin: germline.
Comment: NM_170606.3(KMT2C):c.10122T>G (p.Asn3374Lys) is a missense variant that results in the substitution of asparagine with lysine. This variant is rare in population databases. The currently available literature and clinical evidence are not sufficient to establish a definitive association between this variant and the reported condition. Therefore, this variant is classified as a variant of uncertain significance.

NM_170606.3(KMT2C):c.10122T>G (p.Asn3374Lys)

Gene: KMT2C (lysine methyltransferase 2C; minus strand). Cytogenetic location: 7q36.1.
Variant type: single nucleotide variant.
Coding change: c.10122T>G on transcript NM_170606.3 (MANE Select); coding-DNA position 10122, T replaced by G.
Protein change: p.Asn3374Lys; replaces asparagine 3374 with lysine.
Molecular consequence: missense variant.
Genome position (GRCh38, 1-based): chr7:152,163,455, A>C on the plus strand (T>G on the coding strand, the complement: KMT2C is on the minus strand). VCF-style: chr7-152163455-A-C. GRCh37 (hg19) VCF-style: chr7-151860540-A-C.
Other names: short protein forms N3374K.
Identifiers: ClinVar variation 4881368 (VCV004881368.2).
Genomic context (GRCh38, chr7:152,163,455, plus strand): 5'-ACTTTCACTAAAGGGATTGTTGTCATCAAATTCTACCCGAGGTGGTGGTCCACTCTGTGG[A>C]TTTGCATTTGAGACTGTCCCTGGGGCTGGTGTACAAGTTTTTATTGGTAACTGGGCAATT-3'
Protein context (NP_733751.2, residues 3364-3384): TPAPGTVSNA[Asn3374Lys]PQSGPPPRVE